The following is an entry in ClinVar:

ClinVar aggregate classification (germline): Conflicting classifications of pathogenicity. Review status: criteria provided, conflicting classifications (1 of 4 stars). 12 submissions from 12 submitters: Pathogenic (5); Likely pathogenic (5); Uncertain significance (2). Last evaluated 2026-06-12.

Conditions:
Fetal anomalies with a likely genetic cause.
FANCD2-related disorder. Also called: FANCD2-related condition.
Fanconi anemia (FA). Also called: Fanconi's anemia. Identifiers: Orphanet 84, MedGen C0015625, MeSH D005199, MONDO:0019391.
Fanconi anemia complementation group D2. Also called: FANCD2-Related Fanconi Anemia; FANCONI PANCYTOPENIA, TYPE 4; FANCONI ANEMIA, COMPLEMENTATION GROUP D. Identifiers: Orphanet 84, MedGen C3160738, MONDO:0009214, OMIM 227646.

Allele frequency attached by ClinVar (database versions not stated): gnomAD exomes below 0.00001 and 0.00007; ExAC 0.00001; TOPMed 0.00001; gnomAD 0.00003; ESP Exome Variant Server 0.00008.
gnomAD v4.1: 89 of 1,488,850 alleles (0.006%); highest among the groups gnomAD compares: Middle Eastern, 0.24%; no homozygotes.

Submissions (12):

PreventionGenetics, part of Exact Sciences
Classification: Likely pathogenic for FANCD2-related condition. Last evaluated: 2026-06-12. Review status: criteria provided, single submitter. Criteria: ACMG Guidelines, 2015. Collection method: clinical testing. Allele origin: germline.
Comment: The FANCD2 c.2605+1G>A variant is predicted to disrupt the GT donor site and interfere with normal splicing. This variant was reported in an individual with growth abnormality, although no additional clinical or genetic information was provided (Table S3, Retterer et al. 2016. PubMed ID: 26633542). This variant was also described in the homozygous state in an individual with iron deficiency anemia and ambiguous genitalia (Al Jabri et al. 2021. PubMed ID: 34327028). This variant is reported in 0.00088% of alleles in individuals of European (Non-Finnish) descent in gnomAD. Variants that disrupt the consensus splice donor site in FANCD2 are expected to be pathogenic. This variant is interpreted as likely pathogenic.

Genetics Laboratory, Great Ormond Street Hospital NHS Foundation Trust, North Thames Genomic Laboratory Hub
Classification: Uncertain significance for Fetal anomalies with a likely genetic cause. Last evaluated: 2026-02-19. Review status: criteria provided, single submitter. Criteria: ACGS Best Practice Guidelines for Variant Classification in Rare Disease 2024 v1.2. Collection method: clinical testing. Allele origin: germline. Affected: yes.
Comment: PM2_moderate, PVS1_moderate, PM3_supporting

3billion
Classification: Pathogenic for Fanconi anemia complementation group D2. Last evaluated: 2026-01-26. Review status: criteria provided, single submitter. Criteria: ACMG Guidelines, 2015. Collection method: clinical testing. Allele origin: germline. Affected: yes.
Comment: The variant is observed at an extremely low frequency in the gnomAD v4.1.0 dataset (total allele frequency: 0.006%). Predicted Consequence/Location: Canonical splice site: predicted to alter splicing and result in a loss or disruption of normal protein function. Multiple pathogenic loss-of-function variants are reported downstream of the variant. In silico tools predict the variant to alter splicing and produce an abnormal transcript [SpliceAI: 0.99 (spliceogenicity >=0.2, non-spliceogenicity <0.1)]. The variant has been reported at least twice as pathogenic with clinical assertions and evidence for the classification (ClinVar ID: VCV000265138 /PMID: 26633542 /3billion dataset). Therefore, this variant is classified as Pathogenic according to the recommendation of ACMG/AMP guideline.

Labcorp Genetics (formerly Invitae), Labcorp
Classification: Likely pathogenic for Fanconi anemia. Last evaluated: 2025-11-18. Review status: criteria provided, single submitter. Criteria: Invitae Variant Classification Sherloc (09022015). Collection method: clinical testing. Allele origin: germline.
Comment: This sequence change affects a donor splice site in intron 27 of the FANCD2 gene. It is expected to disrupt RNA splicing. Variants that disrupt the donor or acceptor splice site typically lead to a loss of protein function (PMID: 16199547), and loss-of-function variants in FANCD2 are known to be pathogenic (PMID: 17436244). This variant is present in population databases (rs142365855, gnomAD 0.007%). Disruption of this splice site has been observed in individual(s) with clinical features of Fanconi anemia (PMID: 26633542, 34327028, 38502138). ClinVar contains an entry for this variant (Variation ID: 265138). Algorithms developed to predict the effect of sequence changes on RNA splicing suggest that this variant may disrupt the consensus splice site. In summary, the currently available evidence indicates that the variant is pathogenic, but additional data are needed to prove that conclusively. Therefore, this variant has been classified as Likely Pathogenic.

First Genomix Gene Laboratory, Genetic Diagnostics Department
Classification: Pathogenic for Fanconi anemia complementation group D2. Last evaluated: 2025-04-30. Review status: criteria provided, single submitter. Criteria: ACMG Guidelines, 2015. Collection method: clinical testing. Allele origin: germline. Inheritance: Autosomal recessive inheritance. Affected: no. Observed: 1 variant allele.

Women's Health and Genetics/Laboratory Corporation of America, LabCorp
Classification: Likely pathogenic for Fanconi anemia. Last evaluated: 2024-08-19. Review status: criteria provided, single submitter. Criteria: LabCorp Variant Classification Summary - May 2015. Collection method: clinical testing. Allele origin: germline.
Comment: Variant summary: FANCD2 c.2605+1G>A is located in a canonical splice-site and is predicted to affect mRNA splicing resulting in a significantly altered protein due to either exon skipping, shortening, or inclusion of intronic material. Variants that disrupt the consensus splice site are a relatively common cause of aberrant splicing and loss of FANCD2 function. Several computational tools predict a significant impact on normal splicing: Four predict the variant abolishes a 5' splicing donor site. However, these predictions have yet to be confirmed by functional studies. The variant allele was found at a frequency of 4e-06 in 250564 control chromosomes. c.2605+1G>A has been reported in the literature in individuals affected with features of Fanconi Anemia, including at least one homozygote (e.g., Retterer_2016, AlJabri_2021, Kunisetty_2024). These data indicate that the variant may be associated with disease. To our knowledge, no experimental evidence demonstrating an impact on protein function has been reported. The following publications have been ascertained in the context of this evaluation (PMID: 34327028, 38502138, 26633542). ClinVar contains an entry for this variant (Variation ID: 265138). Based on the evidence outlined above, the variant was classified as likely pathogenic.

GeneDx
Classification: Uncertain significance. Last evaluated: 2024-08-05. Review status: criteria provided, single submitter. Criteria: GeneDx Variant Classification Process June 2021. Collection method: clinical testing. Allele origin: germline. Affected: yes.
Comment: Canonical splice site variant predicted to result in an in-frame loss of the adjacent exon in a gene for which loss of function is a known mechanism of disease; Previously reported in an individual with growth failure; however, additional clinical and segregation data were not provided (PMID: 26633542); This variant is associated with the following publications: (PMID: 34327028, 26633542)

Fulgent Genetics
Classification: Likely pathogenic for Fanconi anemia complementation group D2. Last evaluated: 2024-05-09. Review status: criteria provided, single submitter. Criteria: ACMG Guidelines, 2015. Collection method: clinical testing. Allele origin: germline.

Genomic Medicine Center of Excellence, King Faisal Specialist Hospital and Research Centre
Classification: Pathogenic for Fanconi anemia complementation group D2. Last evaluated: 2024-03-25. Review status: criteria provided, single submitter. Criteria: ACMG Guidelines, 2015. Collection method: clinical testing. Allele origin: germline.

Daryl Scott Lab, Baylor College of Medicine
Classification: Pathogenic for Fanconi anemia complementation group D2. Last evaluated: 2023-11-10. Review status: criteria provided, single submitter. Criteria: ACMG Guidelines, 2015. Collection method: clinical testing. Allele origin: maternal.

Baylor Genetics
Classification: Likely pathogenic for Fanconi anemia complementation group D2. Last evaluated: 2019-07-31. Review status: criteria provided, single submitter. Criteria: ACMG Guidelines, 2015. Collection method: clinical testing. Allele origin: unknown. Affected: yes.
Comment: This variant was determined to be likely pathogenic according to ACMG Guidelines, 2015 [PMID:25741868].

Revvity Omics, Revvity
Classification: Pathogenic for Fanconi anemia complementation group D2. Last evaluated: 2019-01-11. Review status: criteria provided, single submitter. Criteria: ACMG Guidelines, 2015. Collection method: clinical testing. Allele origin: germline.

Literature cited by the submitters: PubMed 26633542 (cited by 3 submitters); PubMed 16199547 (cited by Labcorp Genetics (formerly Invitae), Labcorp); PubMed 17436244 (cited by Labcorp Genetics (formerly Invitae), Labcorp); PubMed 34327028 (cited by Labcorp Genetics (formerly Invitae), Labcorp and Women's Health and Genetics/Laboratory Corporation of America, LabCorp); PubMed 38502138 (cited by Labcorp Genetics (formerly Invitae), Labcorp and Women's Health and Genetics/Laboratory Corporation of America, LabCorp).

NM_001018115.3(FANCD2):c.2605+1G>A

Genes: FANCD2 (FA complementation group D2; plus strand), LOC107303338 (3p25 FANCD2 Alu-mediated recombination region; plus strand). Cytogenetic location: 3p25.3.
Variant type: single nucleotide variant.
Coding change: c.2605+1G>A on transcript NM_001018115.3 (MANE Select); the canonical splice donor site of the intron after coding-DNA position 2605, G replaced by A.
Molecular consequence: splice donor variant.
Genome position (GRCh38, 1-based): chr3:10,072,982, G>A. VCF-style: chr3-10072982-G-A. GRCh37 (hg19) VCF-style: chr3-10114666-G-A.
Other names: c.2605+1G>A (NM_033084.4, NM_001319984.2, NM_033084.6 and 2 more transcripts); c.2494+1G>A (NM_001374253.1).
Identifiers: ClinVar variation 265138 (VCV000265138.25), dbSNP rs142365855, ClinGen allele CA2250124.